The following is an entry in ClinVar:

ClinVar aggregate classification (germline): Uncertain significance (1 of 4 stars; one submission).

Allele frequency attached by ClinVar (database versions not stated): TOPMed below 0.00001; gnomAD 0.00001.
gnomAD v4.1: 4 of 1,529,782 alleles (0.00026%); highest among the groups gnomAD compares: Non-Finnish European, 0.00035%; no homozygotes.

Submission:

Labcorp Genetics (formerly Invitae), Labcorp
Classification: Uncertain significance. Last evaluated: 2022-02-10. Review status: criteria provided, single submitter. Criteria: Invitae Variant Classification Sherloc (09022015). Collection method: clinical testing. Allele origin: germline.
Comment: This variant has not been reported in the literature in individuals affected with MKL1-related conditions. In summary, the available evidence is currently insufficient to determine the role of this variant in disease. Therefore, it has been classified as a Variant of Uncertain Significance. Algorithms developed to predict the effect of missense changes on protein structure and function are either unavailable or do not agree on the potential impact of this missense change (SIFT: "Deleterious"; PolyPhen-2: "Probably Damaging"; Align-GVGD: "Class C0"). ClinVar contains an entry for this variant (Variation ID: 1024160). This variant is not present in population databases (gnomAD no frequency). This sequence change replaces glutamine, which is neutral and polar, with histidine, which is basic and polar, at codon 210 of the MKL1 protein (p.Gln210His).

NM_020831.6(MRTFA):c.930A>T (p.Gln310His)

Gene: MRTFA (myocardin related transcription factor A; minus strand). Cytogenetic location: 22q13.1.
Variant type: single nucleotide variant.
Coding change: c.930A>T on transcript NM_020831.6 (MANE Select); coding-DNA position 930, A replaced by T.
Protein change: p.Gln310His; replaces glutamine 310 with histidine.
Molecular consequence: missense variant.
Genome position (GRCh38, 1-based): chr22:40,421,098, T>A on the plus strand (A>T on the coding strand, the complement: MRTFA is on the minus strand). VCF-style: chr22-40421098-T-A. GRCh37 (hg19) VCF-style: chr22-40817102-T-A.
Other names: c.630A>T, p.Gln210His (NM_001282660.2); c.780A>T, p.Gln260His (NM_001282661.3); c.930A>T, p.Gln310His (NM_001282662.3); c.735A>T, p.Gln245His (NM_001318139.2); short protein forms Q210H, Q245H, Q260H, Q310H.
Identifiers: ClinVar variation 1024160 (VCV001024160.8), dbSNP rs1410464281, ClinGen allele CA411664882.